The following is an entry in ClinVar:

NM_000138.5(FBN1):c.2093del (p.Pro698fs)

Gene: FBN1 (fibrillin 1; minus strand). Cytogenetic location: 15q21.1.
Variant type: Deletion.
Coding change: c.2093del on transcript NM_000138.5 (MANE Select); coding-DNA position 2093, one base deleted (C; older notation c.2093delC).
Protein change: p.Pro698fs; shifts the reading frame from proline 698.
Molecular consequence: frameshift variant.
Genome position (GRCh38, 1-based): chr15:48,503,807, G deleted on the plus strand (C on the coding strand, the reverse complement: FBN1 is on the minus strand); the first of 2 consecutive G bases (chr15:48,503,807-48,503,808); deleting either gives the same sequence. VCF-style (leftmost placement, unchanged base first): chr15-48503806-CG-C. GRCh37 (hg19) VCF-style: chr15-48796003-CG-C.
Other names: c.2093del, p.Pro698fs (NM_001406716.1); short protein forms P698fs.
Identifiers: ClinVar variation 4292330 (VCV004292330.1).

ClinVar aggregate classification (germline): Likely pathogenic (1 of 4 stars; one submission).

Conditions:
Marfan syndrome (MFS). Also called: MARFAN SYNDROME, TYPE I; Marfan syndrome type 1; Marfan's syndrome; Marfan syndrome, classic; FBN1-Related Marfan Syndrome. Identifiers: Orphanet 284963, Orphanet 558, MedGen C0024796, MONDO:0007947, OMIM 154700.

Submission:

3billion
Classification: Likely pathogenic for Marfan syndrome. Last evaluated: 2024-11-26. Review status: criteria provided, single submitter. Criteria: ACMG Guidelines, 2015. Collection method: clinical testing. Allele origin: germline. Affected: yes.
Comment: The variant is not observed in the gnomAD v4.1.0 dataset. Predicted Consequence/Location: Frameshift: predicted to result in a loss or disruption of normal protein function through nonsense-mediated decay (NMD) or protein truncation. Multiple pathogenic variants are reported downstream of the variant. Therefore, this variant is classified as Likely pathogenic according to the recommendation of ACMG/AMP guideline.